The following is an entry in ClinVar:

NM_006005.3(WFS1):c.375C>T (p.Thr125=)

Gene: WFS1 (wolframin ER transmembrane glycoprotein; plus strand). Cytogenetic location: 4p16.1.
Variant type: single nucleotide variant.
Coding change: c.375C>T on transcript NM_006005.3 (MANE Select); coding-DNA position 375, C replaced by T.
Protein change: p.Thr125=; no amino-acid change (threonine 125 retained).
Molecular consequence: synonymous variant.
Genome position (GRCh38, 1-based): chr4:6,289,046, C>T. VCF-style: chr4-6289046-C-T. GRCh37 (hg19) VCF-style: chr4-6290773-C-T.
Other names: c.375C>T, p.Thr125= (NM_001145853.1).
Identifiers: ClinVar variation 228239 (VCV000228239.20), dbSNP rs762324196, ClinGen allele CA2838875.

ClinVar aggregate classification (germline): Conflicting classifications of pathogenicity. Review status: criteria provided, conflicting classifications (1 of 4 stars). 6 submissions from 5 submitters: Uncertain significance (1); Benign (1); Likely benign (4). Last evaluated 2025-06-17.

Conditions:
WFS1-Related Spectrum Disorders.
Wolfram syndrome 1 (WFS1). Identifiers: Orphanet 3463, MedGen C4551693, MONDO:0009101, OMIM 222300.
Autosomal dominant nonsyndromic hearing loss 6 (LFSNHL). Also called: DIDMOAD (Diabetes Insipidus, Diabetes Mellitus, Optic Atrophy, and Deafness); DEAFNESS, AUTOSOMAL DOMINANT 6; Autosomal dominant nonsyndromic deafness 6; DEAFNESS, AUTOSOMAL DOMINANT 14; DEAFNESS, AUTOSOMAL DOMINANT 38. Identifiers: Orphanet 90635, MedGen C1833021, MONDO:0010963, OMIM 600965.

Allele frequency attached by ClinVar (database versions not stated): gnomAD 0.00004; gnomAD exomes 0.00001 and 0.00003; TOPMed 0.00002.
gnomAD v4.1: 21 of 1,605,022 alleles (0.0013%); highest among the groups gnomAD compares: African/African-American, 0.008%; no homozygotes.

Submissions (6):

Women's Health and Genetics/Laboratory Corporation of America, LabCorp
Classification: Likely benign. Last evaluated: 2025-06-17. Review status: criteria provided, single submitter. Criteria: LabCorp Variant Classification Summary - May 2015. Collection method: clinical testing. Allele origin: germline.

Labcorp Genetics (formerly Invitae), Labcorp
Classification: Likely benign. Last evaluated: 2024-02-11. Review status: criteria provided, single submitter. Criteria: Invitae Variant Classification Sherloc (09022015). Collection method: clinical testing. Allele origin: germline.

Illumina Laboratory Services, Illumina
Classification: Likely benign for Autosomal dominant nonsyndromic hearing loss 6. Last evaluated: 2018-01-12. Review status: criteria provided, single submitter. Criteria: ICSL Variant Classification Criteria 13 December 2019. Collection method: clinical testing. Allele origin: germline.
Comment: This variant was observed in the ICSL laboratory as part of a predisposition screen in an ostensibly healthy population. It had not been previously curated by ICSL or reported in the Human Gene Mutation Database (HGMD: prior to June 1st, 2018), and was therefore a candidate for classification through an automated scoring system. Utilizing variant allele frequency, disease prevalence and penetrance estimates, and inheritance mode, an automated score was calculated to assess if this variant is too frequent to cause the disease. Based on the score and internal cut-off values, a variant classified as likely benign is not then subjected to further curation. The score for this variant resulted in a classification of likely benign for this disease.

Illumina Laboratory Services, Illumina
Classification: Uncertain significance for WFS1-Related Spectrum Disorders. Last evaluated: 2018-01-12. Review status: criteria provided, single submitter. Criteria: ICSL Variant Classification Criteria 13 December 2019. Collection method: clinical testing. Allele origin: germline.

Laboratory for Molecular Medicine, Mass General Brigham Personalized Medicine
Classification: Likely benign. Last evaluated: 2015-06-19. Review status: criteria provided, single submitter. Criteria: LMM Criteria. Collection method: clinical testing. Allele origin: germline. Observed: 1 variant allele.
Comment: p.Thr125Thr in exon 4 of WFS1: This variant is not expected to have clinical sig nificance because it does not alter an amino acid residue and is not located wit hin the splice consensus sequence. It has been identified in 2/5158 East Asian chromosomes and 2/37910 European chromosomes by the Exome Aggregation Consortium (ExAC).

Clinical Genomics, Uppaluri K&H Personalized Medicine Clinic
Classification: Benign for Wolfram syndrome 1. Review status: criteria provided, single submitter. Criteria: K & H Uppaluri Personalized Medicine Clinic Variant Classification & Assertion Criteria_Updated V.1. Collection method: research. Allele origin: unknown. Inheritance: Autosomal recessive inheritance.
Comment: Potent mutations in WFS1 gene are associated with Wolfram's syndrome, an autosomal recessive condition, which cause diabetes mellitus, diabetes insipidus, deafness and optic atrophy. However no sufficient evidence is found to ascertain the role of this particular variant rs762324196 in Wolfram's syndrome yet.

Literature cited by the submitters: PubMed 20738327 (cited by Clinical Genomics, Uppaluri K&H Personalized Medicine Clinic); PubMed 33879153 (cited by Clinical Genomics, Uppaluri K&H Personalized Medicine Clinic); PubMed 12955714 (cited by Clinical Genomics, Uppaluri K&H Personalized Medicine Clinic); PubMed 18060660 (cited by Clinical Genomics, Uppaluri K&H Personalized Medicine Clinic); PubMed 20301750 (cited by Clinical Genomics, Uppaluri K&H Personalized Medicine Clinic); PubMed 17603484 (cited by Clinical Genomics, Uppaluri K&H Personalized Medicine Clinic).